The following is an entry in ClinVar:

ClinVar aggregate classification (germline): Uncertain significance (1 of 4 stars; one submission).

gnomAD v4.1: 1 of 1,613,734 alleles (0.000062%); no homozygotes.

Submission:

Labcorp Genetics (formerly Invitae), Labcorp
Classification: Uncertain significance. Last evaluated: 2022-06-14. Review status: criteria provided, single submitter. Criteria: Invitae Variant Classification Sherloc (09022015). Collection method: clinical testing. Allele origin: germline.
Comment: This sequence change falls in intron 27 of the LAMA1 gene. It does not directly change the encoded amino acid sequence of the LAMA1 protein. This variant is not present in population databases (gnomAD no frequency). This variant has not been reported in the literature in individuals affected with LAMA1-related conditions. Algorithms developed to predict the effect of sequence changes on RNA splicing suggest that this variant may create or strengthen a splice site. In summary, the available evidence is currently insufficient to determine the role of this variant in disease. Therefore, it has been classified as a Variant of Uncertain Significance.

NM_005559.4(LAMA1):c.4002-9G>T

Gene: LAMA1 (laminin subunit alpha 1; minus strand). Cytogenetic location: 18p11.31.
Variant type: single nucleotide variant.
Coding change: c.4002-9G>T on transcript NM_005559.4 (MANE Select); 9 bases into the intron before coding-DNA position 4002, G replaced by T.
Molecular consequence: intron variant.
Genome position (GRCh38, 1-based): chr18:7,008,617, C>A on the plus strand (G>T on the coding strand, the complement: LAMA1 is on the minus strand). VCF-style: chr18-7008617-C-A. GRCh37 (hg19) VCF-style: chr18-7008616-C-A.
Identifiers: ClinVar variation 2049329 (VCV002049329.1), dbSNP rs1193279954, ClinGen allele CA781968425.
Genomic context (GRCh38, chr18:7,008,617, plus strand): 5'-TGGGTGCAGCTTTTCAGCCTTTCTGCCAACCTCCATTGAAATGTCTGAGATTCTGTGCAG[C>A]CATCATGTTAAGAGAGGAAACGCTAACATTTGAAAAACTTTCTAGAAACATAGCACATGA-3'